The following is an entry in ClinVar:

NM_000255.4(MMUT):c.1091A>C (p.Tyr364Ser)

Gene: MMUT (methylmalonyl-CoA mutase; minus strand). Cytogenetic location: 6p12.3.
Variant type: single nucleotide variant.
Coding change: c.1091A>C on transcript NM_000255.4 (MANE Select); coding-DNA position 1091, A replaced by C.
Protein change: p.Tyr364Ser; replaces tyrosine 364 with serine.
Molecular consequence: missense variant.
Genome position (GRCh38, 1-based): chr6:49,451,707, T>G on the plus strand (A>C on the coding strand, the complement: MMUT is on the minus strand). VCF-style: chr6-49451707-T-G. GRCh37 (hg19) VCF-style: chr6-49419420-T-G.
Other names: short protein forms Y364S.
Identifiers: ClinVar variation 908837 (VCV000908837.11), dbSNP rs563776413, ClinGen allele CA3846960.

ClinVar aggregate classification (germline): Conflicting classifications of pathogenicity. Review status: criteria provided, conflicting classifications (1 of 4 stars). 9 submissions from 9 submitters: Uncertain significance (6); Likely benign (1). 2 of the submissions do not count toward it. Last evaluated 2024-07-29.

Conditions:
Methylmalonic aciduria due to methylmalonyl-CoA mutase deficiency (MAMM). Also called: Methylmalonic aciduria, mut type. Identifiers: Orphanet 27, MedGen C1855114, MONDO:0009612, OMIM 251000.

Allele frequency attached by ClinVar (database versions not stated): gnomAD 0.00001 and 0.00002; gnomAD exomes 0.00003 and 0.00004; TOPMed 0.00004; ExAC 0.00007.
gnomAD v4.1: 61 of 1,613,838 alleles (0.0038%); highest among the groups gnomAD compares: Middle Eastern, 0.23%; no homozygotes.

Submissions (9):

Blueprint Genetics
Classification: Uncertain significance. Last evaluated: 2024-07-29. Review status: criteria provided, single submitter. Criteria: ACMG Guidelines, 2015. Collection method: clinical testing. Allele origin: germline.

Genomic Medicine Center of Excellence, King Faisal Specialist Hospital and Research Centre
Classification: Likely benign for Methylmalonic aciduria due to methylmalonyl-CoA mutase deficiency. Last evaluated: 2024-03-26. Review status: criteria provided, single submitter. Criteria: ACMG Guidelines, 2015. Collection method: clinical testing. Allele origin: germline.

Labcorp Genetics (formerly Invitae), Labcorp
Classification: Uncertain significance. Last evaluated: 2022-07-06. Review status: criteria provided, single submitter. Criteria: Invitae Variant Classification Sherloc (09022015). Collection method: clinical testing. Allele origin: germline.
Comment: This sequence change replaces tyrosine, which is neutral and polar, with serine, which is neutral and polar, at codon 364 of the MUT protein (p.Tyr364Ser). This variant is present in population databases (rs563776413, gnomAD 0.01%). This missense change has been observed in individual(s) with clinical features of methylmalonic acidemia (PMID: 17823972, 26615597). ClinVar contains an entry for this variant (Variation ID: 908837). Algorithms developed to predict the effect of missense changes on protein structure and function are either unavailable or do not agree on the potential impact of this missense change (SIFT: "Deleterious"; PolyPhen-2: "Possibly Damaging"; Align-GVGD: "Class C0"). In summary, the available evidence is currently insufficient to determine the role of this variant in disease. Therefore, it has been classified as a Variant of Uncertain Significance.

Fulgent Genetics
Classification: Uncertain significance for Methylmalonic aciduria due to methylmalonyl-CoA mutase deficiency. Last evaluated: 2021-09-15. Review status: criteria provided, single submitter. Criteria: ACMG Guidelines, 2015. Collection method: clinical testing. Allele origin: unknown.

Baylor Genetics
Classification: Uncertain significance for Methylmalonic aciduria due to methylmalonyl-CoA mutase deficiency. Last evaluated: 2019-10-29. Review status: criteria provided, single submitter. Criteria: ACMG Guidelines, 2015. Collection method: clinical testing. Allele origin: unknown. Affected: yes.
Comment: This variant was determined to be of uncertain significance according to ACMG Guidelines, 2015 [PMID:25741868]. This variant has been previously reported as disease-causing by following sources [PMID: 17823972, 27884173]

Illumina Laboratory Services, Illumina
Classification: Uncertain significance for Methylmalonic aciduria due to methylmalonyl-CoA mutase deficiency. Last evaluated: 2017-04-27. Review status: criteria provided, single submitter. Criteria: ICSL Variant Classification Criteria 13 December 2019. Collection method: clinical testing. Allele origin: germline.

Breakthrough Genomics
Classification: Uncertain significance. Review status: criteria provided, single submitter. Criteria: ACMG Guidelines, 2015. Collection method: not provided. Allele origin: germline. Inheritance: Autosomal recessive inheritance. Affected: yes.

Clinical Genetics DNA and cytogenetics Diagnostics Lab, Erasmus MC, Erasmus Medical Center
Classification: Uncertain significance. Review status: no assertion criteria provided. Collection method: clinical testing. Allele origin: germline. Affected: yes. Study: VKGL Data-share Consensus. Not counted in ClinVar's aggregate classification.

Diagnostic Laboratory, Department of Genetics, University Medical Center Groningen
Classification: Uncertain significance. Review status: no assertion criteria provided. Collection method: clinical testing. Allele origin: germline. Affected: yes. Study: VKGL Data-share Consensus. Not counted in ClinVar's aggregate classification.

Literature cited by the submitters: PubMed 17823972 (cited by Labcorp Genetics (formerly Invitae), Labcorp and Baylor Genetics); PubMed 26615597 (cited by Labcorp Genetics (formerly Invitae), Labcorp); PubMed 27884173 (cited by Baylor Genetics).